The following is an entry in ClinVar:

ClinVar aggregate classification (germline): Benign/Likely benign. Review status: criteria provided, multiple submitters, no conflicts (2 of 4 stars). 5 submissions from 5 submitters: Benign (2); Likely benign (2). 1 of the submissions does not count toward it. Last evaluated 2026-02-04.

Conditions:
ARPC1B-related disorder. Also called: ARPC1B-related condition.

Allele frequency attached by ClinVar (database versions not stated): gnomAD exomes 0.04503 and 0.05572; ExAC 0.05795; gnomAD 0.07645 and 0.07900; 1000 Genomes Project 0.07808; 1000 Genomes Project 30x 0.08011; ESP Exome Variant Server 0.08050; TOPMed 0.08125.
gnomAD v4.1: 77,564 of 1,613,932 alleles (4.8%); highest among the groups gnomAD compares: African/African-American, 16%; 2,558 homozygotes.

Submissions (5):

Labcorp Genetics (formerly Invitae), Labcorp
Classification: Benign. Last evaluated: 2026-02-04. Review status: criteria provided, single submitter. Criteria: Invitae Variant Classification Sherloc (09022015). Collection method: clinical testing. Allele origin: germline.

Blueprint Genetics
Classification: Likely benign. Last evaluated: 2024-11-27. Review status: criteria provided, single submitter. Criteria: ACMG Guidelines, 2015. Collection method: clinical testing. Allele origin: germline.

Mayo Clinic Laboratories, Mayo Clinic
Classification: Likely benign. Last evaluated: 2023-08-31. Review status: criteria provided, single submitter. Criteria: ACMG Guidelines, 2015. Collection method: clinical testing. Allele origin: germline. Observed: 123 variant alleles.
Comment: BA1, BS2, BP4, PM1_supporting

Breakthrough Genomics
Classification: Benign. Review status: criteria provided, single submitter. Criteria: ACMG Guidelines, 2015. Collection method: not provided. Allele origin: germline. Inheritance: Autosomal recessive inheritance. Affected: yes.

PreventionGenetics, part of Exact Sciences
Classification: Benign for ARPC1B-related condition. Last evaluated: 2019-05-08. Review status: no assertion criteria provided. Collection method: clinical testing. Allele origin: germline. Not counted in ClinVar's aggregate classification.
Comment: This variant is classified as benign based on ACMG/AMP sequence variant interpretation guidelines (Richards et al. 2015 PMID: 25741868, with internal and published modifications).

NM_005720.4(ARPC1B):c.111G>C (p.Lys37Asn)

Gene: ARPC1B (actin related protein 2/3 complex subunit 1B; plus strand). Cytogenetic location: 7q22.1.
Variant type: single nucleotide variant.
Coding change: c.111G>C on transcript NM_005720.4 (MANE Select); coding-DNA position 111, G replaced by C.
Protein change: p.Lys37Asn; replaces lysine 37 with asparagine.
Molecular consequence: missense variant.
Genome position (GRCh38, 1-based): chr7:99,386,731, G>C. VCF-style: chr7-99386731-G-C. GRCh37 (hg19) VCF-style: chr7-98984354-G-C.
Other names: p.Lys37Asn; c.111G>C (NM_005720.3); short protein forms K37N.
Identifiers: ClinVar variation 1170233 (VCV001170233.14), dbSNP rs1045012, ClinGen allele CA4363902.